The following is an entry in ClinVar:

NM_000400.4(ERCC2):c.839G>C (p.Arg280Pro)

Gene: ERCC2 (ERCC excision repair 2, TFIIH core complex helicase subunit; minus strand). Cytogenetic location: 19q13.32.
Variant type: single nucleotide variant.
Coding change: c.839G>C on transcript NM_000400.4 (MANE Select); coding-DNA position 839, G replaced by C.
Protein change: p.Arg280Pro; replaces arginine 280 with proline.
Molecular consequence: missense variant.
Genome position (GRCh38, 1-based): chr19:45,364,096, C>G on the plus strand (G>C on the coding strand, the complement: ERCC2 is on the minus strand). VCF-style: chr19-45364096-C-G. GRCh37 (hg19) VCF-style: chr19-45867354-C-G.
Other names: c.767G>C, p.Arg256Pro (NM_001130867.2); short protein forms R256P, R280P.
Identifiers: ClinVar variation 2566682 (VCV002566682.2), dbSNP rs755174338, ClinGen allele CA406373757.
Genomic context (GRCh38, chr19:45,364,096, plus strand): 5'-TCCCGGGCGGCGCTGGCCTCCCGCAGCCCCTCCACCAGACGCCGGTACTCGTCCCGCAGG[C>G]GCTGCTCGTCTGTCTCTTTGATCCTGCGGAGAGATGAGCTGGGGCTGGGAGGGGGCTGGC-3'
Protein context (NP_000391.1, residues 270-290): VLRIKETDEQ[Arg280Pro]LRDEYRRLVE

ClinVar aggregate classification (germline): Uncertain significance (1 of 4 stars; one submission).

Conditions:
Inborn genetic diseases. Identifiers: MedGen C0950123, MeSH D030342.

Submission:

Ambry Genetics
Classification: Uncertain significance for Inborn genetic diseases. Last evaluated: 2023-04-07. Review status: criteria provided, single submitter. Criteria: Ambry Variant Classification Scheme 2023. Collection method: clinical testing. Allele origin: germline.
Comment: The p.R280P variant (also known as c.839G>C), located in coding exon 10 of the ERCC2 gene, results from a G to C substitution at nucleotide position 839. The arginine at codon 280 is replaced by proline, an amino acid with dissimilar properties. This amino acid position is conserved. In addition, the in silico prediction for this alteration is inconclusive. Since supporting evidence is limited at this time, the clinical significance of this alteration remains unclear.